The following is an entry in ClinVar:

ClinVar aggregate classification (germline): Benign/Likely benign. Review status: criteria provided, multiple submitters, no conflicts (2 of 4 stars). 5 submissions from 5 submitters: Benign (3); Likely benign (2). Last evaluated 2026-01-20.

Conditions:
Inborn genetic diseases. Identifiers: MedGen C0950123, MeSH D030342.
Glycogen storage disease IXa1. Also called: Glycogen storage disease 8; LIVER GLYCOGENOSIS, X-LINKED, TYPE I; GLYCOGEN STORAGE DISEASE VIII; GSD VIII. Identifiers: Orphanet 264580, MedGen C3694531, MONDO:0010598, OMIM 306000.

Allele frequency attached by ClinVar (database versions not stated): gnomAD 0.00045 and 0.00048; gnomAD exomes 0.00047 and 0.00075; TOPMed 0.00055; ESP Exome Variant Server 0.00057; ExAC 0.00060.
gnomAD v4.1: 574 of 1,194,763 alleles (0.048%); highest among the groups gnomAD compares: Middle Eastern, 0.023%; 4 homozygotes.

Submissions (5):

Labcorp Genetics (formerly Invitae), Labcorp
Classification: Benign for Glycogen storage disease IXa1. Last evaluated: 2026-01-20. Review status: criteria provided, single submitter. Criteria: Invitae Variant Classification Sherloc (09022015). Collection method: clinical testing. Allele origin: germline.

Blueprint Genetics
Classification: Likely benign. Last evaluated: 2024-09-04. Review status: criteria provided, single submitter. Criteria: ACMG Guidelines, 2015. Collection method: clinical testing. Allele origin: germline.

Ambry Genetics
Classification: Benign for Inborn genetic diseases. Last evaluated: 2022-05-09. Review status: criteria provided, single submitter. Criteria: Ambry Variant Classification Scheme 2023. Collection method: clinical testing. Allele origin: germline.

GeneDx
Classification: Likely benign. Last evaluated: 2017-02-08. Review status: criteria provided, single submitter. Criteria: GeneDx Variant Classification (06012015). Collection method: clinical testing. Allele origin: germline. Affected: yes.
Comment: This variant is considered likely benign or benign based on one or more of the following criteria: it is a conservative change, it occurs at a poorly conserved position in the protein, it is predicted to be benign by multiple in silico algorithms, and/or has population frequency not consistent with disease.

Eurofins Ntd Llc (ga)
Classification: Benign. Last evaluated: 2015-11-13. Review status: criteria provided, single submitter. Criteria: EGL Classification Definitions 2015. Collection method: clinical testing. Allele origin: germline. Observed: 1 variant allele, 1 heterozygote.

NM_000292.3(PHKA2):c.1396G>A (p.Ala466Thr)

Gene: PHKA2 (phosphorylase kinase regulatory subunit alpha 2; minus strand). Cytogenetic location: Xp22.13.
Variant type: single nucleotide variant.
Coding change: c.1396G>A on transcript NM_000292.3 (MANE Select); coding-DNA position 1396, G replaced by A.
Protein change: p.Ala466Thr; replaces alanine 466 with threonine.
Molecular consequence: missense variant.
Genome position (GRCh38, 1-based): chrX:18,926,516, C>T on the plus strand (G>A on the coding strand, the complement: PHKA2 is on the minus strand). VCF-style: chrX-18926516-C-T. GRCh37 (hg19) VCF-style: chrX-18944634-C-T.
Other names: short protein forms A466T.
Identifiers: ClinVar variation 284337 (VCV000284337.16), dbSNP rs144591812, ClinGen allele CA10361903.